The following is an entry in ClinVar:

ClinVar aggregate classification (germline): Uncertain significance (1 of 4 stars; one submission).

Conditions:
Cataract 5 multiple types (CTRCT5). Also called: CATARACT 5, LAMELLAR; Lamellar cataract; CATARACT, MARNER TYPE. Identifiers: Orphanet 91492, MedGen C0266537, MONDO:0007290, OMIM 116800, HP:0007971.

Submission:

Labcorp Genetics (formerly Invitae), Labcorp
Classification: Uncertain significance for Cataract 5 multiple types. Last evaluated: 2026-01-19. Review status: criteria provided, single submitter. Criteria: Invitae Variant Classification Sherloc (09022015). Collection method: clinical testing. Allele origin: germline.
Comment: This sequence change replaces valine, which is neutral and non-polar, with leucine, which is neutral and non-polar, at codon 72 of the HSF4 protein (p.Val72Leu). This variant is not present in population databases (gnomAD no frequency). This variant has not been reported in the literature in individuals affected with HSF4-related conditions. Invitae Evidence Modeling of protein sequence and biophysical properties (such as structural, functional, and spatial information, amino acid conservation, physicochemical variation, residue mobility, and thermodynamic stability) indicates that this missense variant is expected to disrupt HSF4 protein function with a positive predictive value of 80%. In summary, the available evidence is currently insufficient to determine the role of this variant in disease. Therefore, it has been classified as a Variant of Uncertain Significance.

NM_001374675.1(HSF4):c.214G>T (p.Val72Leu)

Gene: HSF4 (heat shock transcription factor 4; plus strand). Cytogenetic location: 16q22.1.
Variant type: single nucleotide variant.
Coding change: c.214G>T on transcript NM_001374675.1 (MANE Select); coding-DNA position 214, G replaced by T.
Protein change: p.Val72Leu; replaces valine 72 with leucine.
Molecular consequence: missense variant.
Genome position (GRCh38, 1-based): chr16:67,165,612, G>T. VCF-style: chr16-67165612-G-T. GRCh37 (hg19) VCF-style: chr16-67199515-G-T.
Other names: c.214G>T, p.Val72Leu (NM_001040667.3, NM_001374674.1, NM_001538.4); short protein forms V72L.
Identifiers: ClinVar variation 4710141 (VCV004710141.1).
Genomic context (GRCh38, chr16:67,165,612, plus strand): 5'-AGCCGTTTCGCCAAGGAAGTGCTGCCCCAGTATTTCAAGCATAGCAACATGGCGAGCTTC[G>T]TGCGCCAACTCAACATGTGTGAGTCCCTACGGCCGGGCGGGGAGCGGGGATGGGGGACTC-3'
Protein context (NP_001361604.1, residues 62-82): YFKHSNMASF[Val72Leu]RQLNMYGFRK